The following is an entry in ClinVar:

NM_001101.5(ACTB):c.1004G>C (p.Arg335Pro)

Gene: ACTB (actin beta; minus strand). Cytogenetic location: 7p22.1.
Variant type: single nucleotide variant.
Coding change: c.1004G>C on transcript NM_001101.5 (MANE Select); coding-DNA position 1004, G replaced by C.
Protein change: p.Arg335Pro; replaces arginine 335 with proline.
Molecular consequence: missense variant.
Genome position (GRCh38, 1-based): chr7:5,527,872, C>G on the plus strand (G>C on the coding strand, the complement: ACTB is on the minus strand). VCF-style: chr7-5527872-C-G. GRCh37 (hg19) VCF-style: chr7-5567503-C-G.
Other names: short protein forms R335P.
Identifiers: ClinVar variation 1044904 (VCV001044904.8), dbSNP rs1784799009, ClinGen allele CA366699397.

ClinVar aggregate classification (germline): Uncertain significance (1 of 4 stars; one submission).

Conditions:
Baraitser-Winter syndrome 1 (BRWS1). Also called: BARAITSER-WINTER SYNDROME 1, ATYPICAL; Cerebrofrontofacial syndrome; PACHYGYRIA, MENTAL RETARDATION, EPILEPSY, AND CHARACTERISTIC FACIES; MENTAL RETARDATION WITH EPILEPSY AND CHARACTERISTIC FACIES. Identifiers: Orphanet 2649, Orphanet 2995, MedGen C1855722, MONDO:0009470, OMIM 243310.

Submission:

Labcorp Genetics (formerly Invitae), Labcorp
Classification: Uncertain significance for Baraitser-Winter syndrome 1. Last evaluated: 2020-10-12. Review status: criteria provided, single submitter. Criteria: Invitae Variant Classification Sherloc (09022015). Collection method: clinical testing. Allele origin: germline.
Comment: In summary, the available evidence is currently insufficient to determine the role of this variant in disease. Therefore, it has been classified as a Variant of Uncertain Significance. Algorithms developed to predict the effect of missense changes on protein structure and function (SIFT, PolyPhen-2, Align-GVGD) all suggest that this variant is likely to be disruptive, but these predictions have not been confirmed by published functional studies and their clinical significance is uncertain. This sequence change replaces arginine with proline at codon 335 of the ACTB protein (p.Arg335Pro). The arginine residue is highly conserved and there is a moderate physicochemical difference between arginine and proline. This variant is not present in population databases (ExAC no frequency). This variant has not been reported in the literature in individuals with ACTB-related conditions.